The following is an entry in ClinVar:

ClinVar aggregate classification (germline): Likely benign. Review status: criteria provided, multiple submitters, no conflicts (2 of 4 stars). 4 submissions from 4 submitters: Likely benign (4). Last evaluated 2025-07-13.

Conditions:
Cardiovascular phenotype. Identifiers: MedGen CN230736.
Dilated cardiomyopathy 1G (CMD1G). Identifiers: Orphanet 154, MedGen C1858763, MONDO:0011400, OMIM 604145.
Autosomal recessive limb-girdle muscular dystrophy type 2J (LGMDR10). Also called: Limb-girdle muscular dystrophy, type 2J; MUSCULAR DYSTROPHY, LIMB-GIRDLE, AUTOSOMAL RECESSIVE 10. Identifiers: Orphanet 140922, MedGen C1837342, MONDO:0012127, OMIM 608807.

Allele frequency attached by ClinVar (database versions not stated): gnomAD exomes 0.00001 and 0.00002; TOPMed 0.00001; gnomAD 0.00003.
gnomAD v4.1: 13 of 1,613,730 alleles (0.00081%); highest among the groups gnomAD compares: Admixed American, 0.01%; no homozygotes.

Submissions (4):

Labcorp Genetics (formerly Invitae), Labcorp
Classification: Likely benign for Dilated cardiomyopathy 1G; Autosomal recessive limb-girdle muscular dystrophy type 2J. Last evaluated: 2025-07-13. Review status: criteria provided, single submitter. Criteria: Invitae Variant Classification Sherloc (09022015). Collection method: clinical testing. Allele origin: germline.

Blueprint Genetics
Classification: Likely benign. Last evaluated: 2024-10-17. Review status: criteria provided, single submitter. Criteria: ACMG Guidelines, 2015. Collection method: clinical testing. Allele origin: germline.

Ambry Genetics
Classification: Likely benign for Cardiovascular phenotype. Last evaluated: 2024-03-07. Review status: criteria provided, single submitter. Criteria: Ambry Variant Classification Scheme 2023. Collection method: clinical testing. Allele origin: germline.

GeneDx
Classification: Likely benign. Last evaluated: 2017-02-14. Review status: criteria provided, single submitter. Criteria: GeneDx Variant Classification (06012015). Collection method: clinical testing. Allele origin: germline. Affected: yes.
Comment: This variant is considered likely benign or benign based on one or more of the following criteria: it is a conservative change, it occurs at a poorly conserved position in the protein, it is predicted to be benign by multiple in silico algorithms, and/or has population frequency not consistent with disease.

NM_001267550.2(TTN):c.94452T>C (p.Tyr31484=)

Genes: TTN (titin; minus strand), TTN-AS1 (TTN antisense RNA 1; plus strand). Cytogenetic location: 2q31.2.
Variant type: single nucleotide variant.
Coding change: c.94452T>C on transcript NM_001267550.2 (MANE Select); coding-DNA position 94452, T replaced by C.
Protein change: p.Tyr31484=; no amino-acid change (tyrosine 31484 retained).
Molecular consequence: synonymous variant.
Genome position (GRCh38, 1-based): chr2:178,547,073, A>G on the plus strand (T>C on the coding strand, the complement: TTN is on the minus strand). VCF-style: chr2-178547073-A-G. GRCh37 (hg19) VCF-style: chr2-179411800-A-G.
Other names: c.89529T>C, p.Tyr29843= (NM_001256850.1); c.67257T>C, p.Tyr22419= (NM_003319.4); c.86748T>C, p.Tyr28916= (NM_133378.4); c.67632T>C, p.Tyr22544= (NM_133432.3); c.67833T>C, p.Tyr22611= (NM_133437.4).
Identifiers: ClinVar variation 507390 (VCV000507390.10), dbSNP rs763668385, ClinGen allele CA60972727.